The following is an entry in ClinVar:

NM_001042492.3(NF1):c.6177C>G (p.Asp2059Glu)

Gene: NF1 (neurofibromin 1; plus strand). Cytogenetic location: 17q11.2.
Variant type: single nucleotide variant.
Coding change: c.6177C>G on transcript NM_001042492.3 (MANE Select); coding-DNA position 6177, C replaced by G.
Protein change: p.Asp2059Glu; replaces aspartic acid 2059 with glutamic acid.
Molecular consequence: missense variant.
Genome position (GRCh38, 1-based): chr17:31,336,664, C>G. VCF-style: chr17-31336664-C-G. GRCh37 (hg19) VCF-style: chr17-29663682-C-G.
Other names: c.6114C>G, p.Asp2038Glu (NM_000267.4); short protein forms D2038E, D2059E.
Identifiers: ClinVar variation 4119115 (VCV004119115.1).

ClinVar aggregate classification (germline): Uncertain significance (1 of 4 stars; one submission).

Conditions:
Cardiovascular phenotype. Identifiers: MedGen CN230736.
Hereditary cancer-predisposing syndrome. Also called: Hereditary neoplastic syndrome; Neoplastic Syndromes, Hereditary; Tumor predisposition; Hereditary Cancer Syndrome. Identifiers: Orphanet 140162, MedGen C0027672, MeSH D009386, MONDO:0015356.

Submission:

Ambry Genetics
Classification: Uncertain significance for Cardiovascular phenotype; Hereditary cancer-predisposing syndrome. Last evaluated: 2025-08-05. Review status: criteria provided, single submitter. Criteria: Ambry Variant Classification Scheme 2023. Collection method: clinical testing. Allele origin: germline.
Comment: The p.D2038E variant (also known as c.6114C>G), located in coding exon 41 of the NF1 gene, results from a C to G substitution at nucleotide position 6114. The aspartic acid at codon 2038 is replaced by glutamic acid, an amino acid with highly similar properties. This amino acid position is highly conserved in available vertebrate species. In addition, this alteration is predicted to be tolerated by in silico analysis. Based on the available evidence, the clinical significance of this variant remains unclear.